The following is an entry in ClinVar:

NM_016562.4(TLR7):c.1204C>A (p.Leu402Ile)

Gene: TLR7 (toll like receptor 7; plus strand). Cytogenetic location: Xp22.2.
Variant type: single nucleotide variant.
Coding change: c.1204C>A on transcript NM_016562.4 (MANE Select); coding-DNA position 1204, C replaced by A.
Protein change: p.Leu402Ile; replaces leucine 402 with isoleucine.
Molecular consequence: missense variant.
Genome position (GRCh38, 1-based): chrX:12,886,712, C>A. VCF-style: chrX-12886712-C-A. GRCh37 (hg19) VCF-style: chrX-12904831-C-A.
Other names: short protein forms L402I.
Identifiers: ClinVar variation 3457098 (VCV003457098.3).

ClinVar aggregate classification (germline): Uncertain significance. Review status: criteria provided, multiple submitters, no conflicts (2 of 4 stars). 2 submissions from 2 submitters: Uncertain significance (2). Last evaluated 2024-11-13.

Submissions (2):

Labcorp Genetics (formerly Invitae), Labcorp
Classification: Uncertain significance. Last evaluated: 2024-11-13. Review status: criteria provided, single submitter. Criteria: Invitae Variant Classification Sherloc (09022015). Collection method: clinical testing. Allele origin: germline.
Comment: This sequence change replaces leucine, which is neutral and non-polar, with isoleucine, which is neutral and non-polar, at codon 402 of the TLR7 protein (p.Leu402Ile). The frequency data for this variant in the population databases is considered unreliable, as metrics indicate poor data quality at this position in the gnomAD database. This variant has not been reported in the literature in individuals affected with TLR7-related conditions. An algorithm developed to predict the effect of missense changes on protein structure and function (PolyPhen-2) suggests that this variant is likely to be tolerated. In summary, the available evidence is currently insufficient to determine the role of this variant in disease. Therefore, it has been classified as a Variant of Uncertain Significance.

Ambry Genetics
Classification: Uncertain significance. Last evaluated: 2024-10-26. Review status: criteria provided, single submitter. Criteria: Ambry Variant Classification Scheme 2023. Collection method: clinical testing. Allele origin: germline.